The following is an entry in ClinVar:

NM_006031.6(PCNT):c.1504G>A (p.Glu502Lys)

Gene: PCNT (pericentrin; plus strand). Cytogenetic location: 21q22.3.
Variant type: single nucleotide variant.
Coding change: c.1504G>A on transcript NM_006031.6 (MANE Select); coding-DNA position 1504, G replaced by A.
Protein change: p.Glu502Lys; replaces glutamic acid 502 with lysine.
Molecular consequence: missense variant.
Genome position (GRCh38, 1-based): chr21:46,353,151, G>A. VCF-style: chr21-46353151-G-A. GRCh37 (hg19) VCF-style: chr21-47773065-G-A.
Other names: c.1150G>A, p.Glu384Lys (NM_001315529.2); short protein forms E384K, E502K.
Identifiers: ClinVar variation 3047345 (VCV003047345.2), dbSNP rs1286407689, ClinGen allele CA410560115.

ClinVar aggregate classification (germline): Uncertain significance (0 of 4 stars; one submission).

Conditions:
PCNT-related disorder. Also called: PCNT-related condition.

Allele frequency attached by ClinVar (database versions not stated): TOPMed below 0.00001; gnomAD 0.00001; gnomAD exomes 0.00001.
gnomAD v4.1: 12 of 1,614,112 alleles (0.00074%); highest among the groups gnomAD compares: East Asian, 0.025%; no homozygotes.

Submission:

PreventionGenetics, part of Exact Sciences
Classification: Uncertain significance for PCNT-related condition. Last evaluated: 2024-02-16. Review status: no assertion criteria provided. Collection method: clinical testing. Allele origin: germline.
Comment: The PCNT c.1504G>A variant is predicted to result in the amino acid substitution p.Glu502Lys. To our knowledge, this variant has not been reported in the literature. This variant is reported in 0.0050% of alleles in individuals of East Asian descent in gnomAD. At this time, the clinical significance of this variant is uncertain due to the absence of conclusive functional and genetic evidence.